The following is an entry in ClinVar:

ClinVar aggregate classification (germline): Uncertain significance. Review status: criteria provided, multiple submitters, no conflicts (2 of 4 stars). 2 submissions from 2 submitters: Uncertain significance (2). Last evaluated 2026-07-07.

Conditions:
PHIP-related disorder. Also called: PHIP-related condition; PHIP-related disorders.

Allele frequency attached by ClinVar (database versions not stated): gnomAD 0.00001; gnomAD exomes 0.00001; TOPMed 0.00001.
gnomAD v4.1: 9 of 1,608,900 alleles (0.00056%); highest among the groups gnomAD compares: Admixed American, 0.0084%; no homozygotes.

Submissions (2):

PreventionGenetics, part of Exact Sciences
Classification: Uncertain significance for PHIP-related condition. Last evaluated: 2026-07-07. Review status: criteria provided, single submitter. Criteria: ACMG Guidelines, 2015. Collection method: clinical testing. Allele origin: germline.
Comment: The PHIP c.2224G>T variant is predicted to result in the amino acid substitution p.Ala742Ser. To our knowledge, this variant has not been reported in the literature. This variant is reported in 0.015% of alleles in individuals of Latino descent in gnomAD. Although we suspect that this variant may be benign, at this time, the clinical significance of this variant is uncertain due to the absence of conclusive functional and genetic evidence.

Labcorp Genetics (formerly Invitae), Labcorp
Classification: Uncertain significance. Last evaluated: 2022-11-20. Review status: criteria provided, single submitter. Criteria: Invitae Variant Classification Sherloc (09022015). Collection method: clinical testing. Allele origin: germline.
Comment: In summary, the available evidence is currently insufficient to determine the role of this variant in disease. Therefore, it has been classified as a Variant of Uncertain Significance. Advanced modeling of protein sequence and biophysical properties (such as structural, functional, and spatial information, amino acid conservation, physicochemical variation, residue mobility, and thermodynamic stability) performed at Invitae indicates that this missense variant is not expected to disrupt PHIP protein function. This variant has not been reported in the literature in individuals affected with PHIP-related conditions. This variant is present in population databases (no rsID available, gnomAD 0.02%). This sequence change replaces alanine, which is neutral and non-polar, with serine, which is neutral and polar, at codon 742 of the PHIP protein (p.Ala742Ser).

NM_017934.7(PHIP):c.2224G>T (p.Ala742Ser)

Gene: PHIP (PHIP subunit of CUL4-Ring ligase complex; minus strand). Cytogenetic location: 6q14.1.
Variant type: single nucleotide variant.
Coding change: c.2224G>T on transcript NM_017934.7 (MANE Select); coding-DNA position 2224, G replaced by T.
Protein change: p.Ala742Ser; replaces alanine 742 with serine.
Molecular consequence: missense variant.
Genome position (GRCh38, 1-based): chr6:78,990,963, C>A on the plus strand (G>T on the coding strand, the complement: PHIP is on the minus strand). VCF-style: chr6-78990963-C-A. GRCh37 (hg19) VCF-style: chr6-79700680-C-A.
Other names: c.2224G>T (NM_017934.6); short protein forms A742S.
Identifiers: ClinVar variation 2880510 (VCV002880510.4), dbSNP rs981036065, ClinGen allele CA141838909.